The following is an entry in ClinVar:

ClinVar aggregate classification (germline): Uncertain significance (1 of 4 stars; one submission).

Allele frequency attached by ClinVar (database versions not stated): gnomAD 0.00001; gnomAD exomes 0.00001; ExAC 0.00002; TOPMed 0.00002.
gnomAD v4.1: 18 of 1,612,110 alleles (0.0011%); highest among the groups gnomAD compares: Admixed American, 0.0033%; no homozygotes.

Submission:

Labcorp Genetics (formerly Invitae), Labcorp
Classification: Uncertain significance. Last evaluated: 2025-12-02. Review status: criteria provided, single submitter. Criteria: Invitae Variant Classification Sherloc (09022015). Collection method: clinical testing. Allele origin: germline.
Comment: This sequence change replaces proline, which is neutral and non-polar, with serine, which is neutral and polar, at codon 348 of the VCAN protein (p.Pro348Ser). This variant is present in population databases (rs746041392, gnomAD 0.006%). This variant has not been reported in the literature in individuals affected with VCAN-related conditions. ClinVar contains an entry for this variant (Variation ID: 1035410). An algorithm developed to predict the effect of missense changes on protein structure and function (PolyPhen-2) suggests that this variant is likely to be tolerated. In summary, the available evidence is currently insufficient to determine the role of this variant in disease. Therefore, it has been classified as a Variant of Uncertain Significance.

NM_004385.5(VCAN):c.1042C>T (p.Pro348Ser)

Gene: VCAN (versican; plus strand). Cytogenetic location: 5q14.3.
Variant type: single nucleotide variant.
Coding change: c.1042C>T on transcript NM_004385.5 (MANE Select); coding-DNA position 1042, C replaced by T.
Protein change: p.Pro348Ser; replaces proline 348 with serine.
Molecular consequence: missense variant. On other transcripts: nonsense (1).
Genome position (GRCh38, 1-based): chr5:83,512,396, C>T. VCF-style: chr5-83512396-C-T. GRCh37 (hg19) VCF-style: chr5-82808215-C-T.
Other names: c.1042C>T, p.Arg348Ter (NM_001126336.3); c.1042C>T, p.Arg348Cys (NM_001164097.2); c.1042C>T, p.Pro348Ser (NM_001164098.2); short protein forms P348S, R348C, R348*.
Identifiers: ClinVar variation 1035410 (VCV001035410.8), dbSNP rs746041392, ClinGen allele CA3332576.
Genomic context (GRCh38, chr5:83,512,396, plus strand): 5'-TTTGAGAACCAGACAGGCTTCCCTCCCCCTGATAGCAGATTTGATGCCTACTGCTTTAAA[C>T]GTAAGTGTTTGATACCTTTTTAAAAATTACAGTTTTAAAAAAAATGCTTCGAAGCATGCA-3'
Protein context (NP_004376.2, residues 338-358): DSRFDAYCFK[Pro348Ser]KEATTIDLSI